The following is an entry in ClinVar:

NM_080680.3(COL11A2):c.233-1G>T

Gene: COL11A2 (collagen type XI alpha 2 chain; minus strand). Cytogenetic location: 6p21.32.
Variant type: single nucleotide variant.
Coding change: c.233-1G>T on transcript NM_080680.3 (MANE Select); the canonical splice acceptor site of the intron before coding-DNA position 233, G replaced by T.
Molecular consequence: splice acceptor variant.
Genome position (GRCh38, 1-based): chr6:33,189,189, C>A on the plus strand (G>T on the coding strand, the complement: COL11A2 is on the minus strand). VCF-style: chr6-33189189-C-A. GRCh37 (hg19) VCF-style: chr6-33156966-C-A.
Other names: c.233-1G>T (NM_080679.3, NM_080681.3, NM_001163771.2).
Identifiers: ClinVar variation 1496954 (VCV001496954.6), dbSNP rs2150623900, ClinGen allele CA363612932.

ClinVar aggregate classification (germline): Likely pathogenic (1 of 4 stars; one submission).

Submission:

Labcorp Genetics (formerly Invitae), Labcorp
Classification: Likely pathogenic. Last evaluated: 2022-05-16. Review status: criteria provided, single submitter. Criteria: Invitae Variant Classification Sherloc (09022015). Collection method: clinical testing. Allele origin: germline.
Comment: This sequence change affects an acceptor splice site in intron 2 of the COL11A2 gene. It is expected to disrupt RNA splicing. Variants that disrupt the donor or acceptor splice site typically lead to a loss of protein function (PMID: 16199547), and loss-of-function variants in COL11A2 are known to be pathogenic (PMID: 10677296, 21204229). This variant is not present in population databases (gnomAD no frequency). This variant has not been reported in the literature in individuals affected with COL11A2-related conditions. Algorithms developed to predict the effect of sequence changes on RNA splicing suggest that this variant may disrupt the consensus splice site. In summary, the currently available evidence indicates that the variant is pathogenic, but additional data are needed to prove that conclusively. Therefore, this variant has been classified as Likely Pathogenic.

Literature cited by the submitters: PubMed 16199547; PubMed 10677296; PubMed 21204229.